The following is an entry in ClinVar:

NM_017986.4(SLC52A1):c.304G>A (p.Val102Met)

Gene: SLC52A1 (solute carrier family 52 member 1; minus strand). Cytogenetic location: 17p13.2.
Variant type: single nucleotide variant.
Coding change: c.304G>A on transcript NM_017986.4 (MANE Select); coding-DNA position 304, G replaced by A.
Protein change: p.Val102Met; replaces valine 102 with methionine.
Molecular consequence: missense variant.
Genome position (GRCh38, 1-based): chr17:5,034,185, C>T on the plus strand (G>A on the coding strand, the complement: SLC52A1 is on the minus strand). VCF-style: chr17-5034185-C-T. GRCh37 (hg19) VCF-style: chr17-4937480-C-T.
Other names: c.304G>A, p.Val102Met (NM_001104577.2); short protein forms V102M.
Identifiers: ClinVar variation 1472988 (VCV001472988.8), dbSNP rs755844433, ClinGen allele CA8319816.

ClinVar aggregate classification (germline): Uncertain significance (1 of 4 stars; one submission).

Conditions:
Vitamin B2 deficiency. Identifiers: MedGen C0035528.

Allele frequency attached by ClinVar (database versions not stated): gnomAD 0.00001; gnomAD exomes 0.00001; ExAC 0.00002; TOPMed 0.00002.
gnomAD v4.1: 10 of 1,614,060 alleles (0.00062%); highest among the groups gnomAD compares: African/African-American, 0.0027%; no homozygotes.

Submission:

Labcorp Genetics (formerly Invitae), Labcorp
Classification: Uncertain significance for Vitamin B2 deficiency. Last evaluated: 2024-12-13. Review status: criteria provided, single submitter. Criteria: Invitae Variant Classification Sherloc (09022015). Collection method: clinical testing. Allele origin: germline.
Comment: This sequence change replaces valine, which is neutral and non-polar, with methionine, which is neutral and non-polar, at codon 102 of the SLC52A1 protein (p.Val102Met). This variant is present in population databases (rs755844433, gnomAD 0.01%). This variant has not been reported in the literature in individuals affected with SLC52A1-related conditions. ClinVar contains an entry for this variant (Variation ID: 1472988). Invitae Evidence Modeling of protein sequence and biophysical properties (such as structural, functional, and spatial information, amino acid conservation, physicochemical variation, residue mobility, and thermodynamic stability) indicates that this missense variant is not expected to disrupt SLC52A1 protein function with a negative predictive value of 80%. In summary, the available evidence is currently insufficient to determine the role of this variant in disease. Therefore, it has been classified as a Variant of Uncertain Significance.